The following is an entry in ClinVar:

ClinVar aggregate classification (germline): Uncertain significance. Review status: criteria provided, single submitter (1 of 4 stars). 2 submissions from 2 submitters: Uncertain significance (1). 1 of the submissions does not count toward it. Last evaluated 2024-11-14.

Conditions:
PCNT-related disorder. Also called: PCNT-related condition.
Inborn genetic diseases. Identifiers: MedGen C0950123, MeSH D030342.

Allele frequency attached by ClinVar (database versions not stated): gnomAD exomes 0.00001; TOPMed 0.00006; gnomAD 0.00007; ExAC 0.00008.
gnomAD v4.1: 31 of 1,563,342 alleles (0.002%); highest among the groups gnomAD compares: Admixed American, 0.011%; no homozygotes.

Submissions (2):

Ambry Genetics
Classification: Uncertain significance for Inborn genetic diseases. Last evaluated: 2024-11-14. Review status: criteria provided, single submitter. Criteria: Ambry Variant Classification Scheme 2023. Collection method: clinical testing. Allele origin: germline.

PreventionGenetics, part of Exact Sciences
Classification: Uncertain significance for PCNT-related condition. Last evaluated: 2024-07-05. Review status: no assertion criteria provided. Collection method: clinical testing. Allele origin: germline. Not counted in ClinVar's aggregate classification.
Comment: The PCNT c.6743C>T variant is predicted to result in the amino acid substitution p.Ser2248Leu. To our knowledge, this variant has not been reported in the literature. This variant is reported in 0.010% of alleles in individuals of Latino descent in gnomAD. At this time, the clinical significance of this variant is uncertain due to the absence of conclusive functional and genetic evidence.

NM_006031.6(PCNT):c.6743C>T (p.Ser2248Leu)

Gene: PCNT (pericentrin; plus strand). Cytogenetic location: 21q22.3.
Variant type: single nucleotide variant.
Coding change: c.6743C>T on transcript NM_006031.6 (MANE Select); coding-DNA position 6743, C replaced by T.
Protein change: p.Ser2248Leu; replaces serine 2248 with leucine.
Molecular consequence: missense variant.
Genome position (GRCh38, 1-based): chr21:46,416,661, C>T. VCF-style: chr21-46416661-C-T. GRCh37 (hg19) VCF-style: chr21-47836575-C-T.
Other names: c.6389C>T, p.Ser2130Leu (NM_001315529.2); short protein forms S2130L, S2248L.
Identifiers: ClinVar variation 2634147 (VCV002634147.4), dbSNP rs200670600, ClinGen allele CA10080388.
Genomic context (GRCh38, chr21:46,416,661, plus strand): 5'-AGGTCCTCAGGAAGGACTGGACCCTGGAGCCCTGGCCCAGCCTCCCCGTGACACCCCACT[C>T]AGGAGCCCTGAGCCTGTGCAGTGCCGACACATCCCTGGGGGACAGGGCGGACACCTCGCT-3'
Protein context (NP_006022.3, residues 2238-2258): PWPSLPVTPH[Ser2248Leu]GALSLCSADT